The following is an entry in ClinVar:

ClinVar aggregate classification (germline): Uncertain significance (1 of 4 stars; one submission).

Conditions:
Biotin-responsive basal ganglia disease (BTBGD). Also called: thiamine-responsive encephalopathy; Thiamine metabolism dysfunction syndrome 2 (biotin- or thiamine-responsive encephalopathy type 2); Thiamine Transporter-2 Deficiency; Thiamine metabolism dysfunction syndrome type 2; THIAMINE METABOLISM DYSFUNCTION SYNDROME 2 (BIOTIN- AND THIAMINE-RESPONSIVE TYPE). Identifiers: Orphanet 199348, Orphanet 65284, MedGen C1843807, MONDO:0011841, OMIM 607483.

Allele frequency attached by ClinVar (database versions not stated): gnomAD exomes 0.00001.
gnomAD v4.1: 8 of 1,614,140 alleles (0.0005%); highest among the groups gnomAD compares: Non-Finnish European, 0.00059%; no homozygotes.

Submission:

Labcorp Genetics (formerly Invitae), Labcorp
Classification: Uncertain significance for Biotin-responsive basal ganglia disease. Last evaluated: 2022-07-23. Review status: criteria provided, single submitter. Criteria: Invitae Variant Classification Sherloc (09022015). Collection method: clinical testing. Allele origin: germline.
Comment: This variant has not been reported in the literature in individuals affected with SLC19A3-related conditions. This variant is not present in population databases (gnomAD no frequency). This sequence change replaces lysine, which is basic and polar, with glutamine, which is neutral and polar, at codon 276 of the SLC19A3 protein (p.Lys276Gln). Advanced modeling of protein sequence and biophysical properties (such as structural, functional, and spatial information, amino acid conservation, physicochemical variation, residue mobility, and thermodynamic stability) performed at Invitae indicates that this missense variant is not expected to disrupt SLC19A3 protein function. In summary, the available evidence is currently insufficient to determine the role of this variant in disease. Therefore, it has been classified as a Variant of Uncertain Significance.

NM_025243.4(SLC19A3):c.826A>C (p.Lys276Gln)

Gene: SLC19A3 (solute carrier family 19 member 3; minus strand). Cytogenetic location: 2q36.3.
Variant type: single nucleotide variant.
Coding change: c.826A>C on transcript NM_025243.4 (MANE Select); coding-DNA position 826, A replaced by C.
Protein change: p.Lys276Gln; replaces lysine 276 with glutamine.
Molecular consequence: missense variant.
Genome position (GRCh38, 1-based): chr2:227,698,889, T>G on the plus strand (A>C on the coding strand, the complement: SLC19A3 is on the minus strand). VCF-style: chr2-227698889-T-G. GRCh37 (hg19) VCF-style: chr2-228563605-T-G.
Other names: c.826A>C, p.Lys276Gln (NM_001371411.1, NM_001371412.1); c.814A>C, p.Lys272Gln (NM_001371413.1, NM_001371414.1); short protein forms K276Q, K272Q.
Identifiers: ClinVar variation 2160393 (VCV002160393.4), dbSNP rs2470572906, ClinGen allele CA350876386.